The following is an entry in ClinVar:

ClinVar aggregate classification (germline): Uncertain significance (1 of 4 stars; one submission).

gnomAD v4.1: 3 of 1,595,018 alleles (0.00019%); highest among the groups gnomAD compares: East Asian, 0.0067%; no homozygotes.

Submission:

Labcorp Genetics (formerly Invitae), Labcorp
Classification: Uncertain significance. Last evaluated: 2025-08-08. Review status: criteria provided, single submitter. Criteria: Invitae Variant Classification Sherloc (09022015). Collection method: clinical testing. Allele origin: germline.
Comment: This sequence change falls in intron 13 of the KDM1A gene. It does not directly change the encoded amino acid sequence of the KDM1A protein. It affects a nucleotide within the consensus splice site. This variant is present in population databases (rs768442547, gnomAD 0.01%). This variant has not been reported in the literature in individuals affected with KDM1A-related conditions. Variants that disrupt the consensus splice site are a relatively common cause of aberrant splicing (PMID: 17576681, 9536098). Algorithms developed to predict the effect of sequence changes on RNA splicing suggest that this variant is not likely to affect RNA splicing. In summary, the available evidence is currently insufficient to determine the role of this variant in disease. Therefore, it has been classified as a Variant of Uncertain Significance.

Literature cited by the submitters: PubMed 17576681; PubMed 9536098.

NM_001009999.3(KDM1A):c.1548+5G>A

Gene: KDM1A (lysine demethylase 1A; plus strand). Cytogenetic location: 1p36.12.
Variant type: single nucleotide variant.
Coding change: c.1548+5G>A on transcript NM_001009999.3 (MANE Select); 5 bases into the intron after coding-DNA position 1548, G replaced by A.
Molecular consequence: intron variant.
Genome position (GRCh38, 1-based): chr1:23,071,364, G>A. VCF-style: chr1-23071364-G-A. GRCh37 (hg19) VCF-style: chr1-23397857-G-A.
Other names: c.1536+5G>A (NM_001410762.1); c.1476+5G>A (NM_001363654.2, NM_001410763.1, NM_015013.4).
Identifiers: ClinVar variation 4766698 (VCV004766698.1).
Genomic context (GRCh38, chr1:23,071,364, plus strand): 5'-TTACTGCCGAGTTCTTAGTGAAAAGCAAACACAGGGATCTGACCGCCCTATGCAAGGTGT[G>A]GTATACATACATGCCTAACTGGTTTTACTTGGAATCCTAAGAAATAGCACAGATCTGGGG-3'